The following is an entry in ClinVar:

NM_004082.5(DCTN1):c.3197-8G>A

Gene: DCTN1 (dynactin subunit 1; minus strand). Cytogenetic location: 2p13.1.
Variant type: single nucleotide variant.
Coding change: c.3197-8G>A on transcript NM_004082.5 (MANE Select); 8 bases into the intron before coding-DNA position 3197, G replaced by A.
Molecular consequence: intron variant.
Genome position (GRCh38, 1-based): chr2:74,363,636, C>T on the plus strand (G>A on the coding strand, the complement: DCTN1 is on the minus strand). VCF-style: chr2-74363636-C-T. GRCh37 (hg19) VCF-style: chr2-74590763-C-T.
Other names: c.3197-8G>A (NM_004082.4); c.3086-209G>A (NM_001190836.2); c.3128-8G>A (NM_001378992.1); c.3146-8G>A (NM_001378991.1); c.3137-209G>A (NM_001135040.3); c.3176-8G>A (NM_001190837.2); c.2795-209G>A (NM_001135041.3); c.2795-8G>A (NM_023019.4).
Identifiers: ClinVar variation 1161018 (VCV001161018.10), dbSNP rs371393698, ClinGen allele CA1721582.

ClinVar aggregate classification (germline): Conflicting classifications of pathogenicity. Review status: criteria provided, conflicting classifications (1 of 4 stars). 2 submissions from 2 submitters: Uncertain significance (1); Likely benign (1). Last evaluated 2025-12-18.

Conditions:
DCTN1-related disorder. Also called: DCTN1-related condition.
Perry syndrome. Also called: PARKINSONISM WITH ALVEOLAR HYPOVENTILATION AND MENTAL DEPRESSION. Identifiers: Orphanet 178509, MedGen C1868594, MONDO:0008201, OMIM 168605.
Neuronopathy, distal hereditary motor, type 7B. Also called: HMN VIIB; LOWER MOTOR NEURON DISEASE, DYNACTIN TYPE; NEURONOPATHY, DISTAL HEREDITARY MOTOR, AUTOSOMAL DOMINANT 14; NEURONOPATHY, DISTAL HEREDITARY MOTOR, HARDING TYPE VIIB; NEUROPATHY, DISTAL HEREDITARY MOTOR, HARDING TYPE VIIB; NEUROPATHY, DISTAL HEREDITARY MOTOR, WITH VOCAL CORD PARALYSIS, HARDING TYPE VIIB. Identifiers: Orphanet 139589, MedGen C1843315, MONDO:0011879, OMIM 607641.
Amyotrophic lateral sclerosis type 1 (ALS1). Also called: AMYOTROPHIC LATERAL SCLEROSIS 1, FAMILIAL. Identifiers: Orphanet 803, MedGen C1862939, MONDO:0007103, OMIM 105400.

Allele frequency attached by ClinVar (database versions not stated): gnomAD 0.00007 and 0.00008; TOPMed 0.00012; ESP Exome Variant Server 0.00023.
gnomAD v4.1: 37 of 1,613,466 alleles (0.0023%); highest among the groups gnomAD compares: African/African-American, 0.025%; no homozygotes.

Submissions (2):

PreventionGenetics, part of Exact Sciences
Classification: Uncertain significance for DCTN1-related condition. Last evaluated: 2025-12-18. Review status: criteria provided, single submitter. Criteria: ACMG Guidelines, 2015. Collection method: clinical testing. Allele origin: germline.
Comment: The DCTN1 c.3197-8G>A variant is predicted to interfere with splicing. This variant is predicted to alter splicing based on available splicing prediction programs (SpliceAI, Jaganathan et al. 2019. PubMed ID: 30661751). However, the use of computer prediction programs is not equivalent to functional evidence. This variant has been reported in a cohort study with amyotrophic lateral sclerosis (ALS, Table S1, Hu et al. 2024. PubMed ID: 37952009). This variant is reported in 0.031% of alleles in individuals of African descent in gnomAD. At this time, the clinical significance of this variant is uncertain due to the absence of conclusive functional and genetic evidence.

Labcorp Genetics (formerly Invitae), Labcorp
Classification: Likely benign for Amyotrophic lateral sclerosis type 1; Neuronopathy, distal hereditary motor, type 7B; Perry syndrome. Last evaluated: 2024-12-15. Review status: criteria provided, single submitter. Criteria: Invitae Variant Classification Sherloc (09022015). Collection method: clinical testing. Allele origin: germline.